The following is an entry in ClinVar:

NM_001350562.2(TJAP1):c.1563A>C (p.Pro521=)

Gene: TJAP1 (tight junction associated protein 1; plus strand). Cytogenetic location: 6p21.1.
Variant type: single nucleotide variant.
Coding change: c.1563A>C on transcript NM_001350562.2 (MANE Select); coding-DNA position 1563, A replaced by C.
Protein change: p.Pro521=; no amino-acid change (proline 521 retained).
Molecular consequence: synonymous variant. On other transcripts: non-coding transcript variant (1).
Genome position (GRCh38, 1-based): chr6:43,505,744, A>C. VCF-style: chr6-43505744-A-C. GRCh37 (hg19) VCF-style: chr6-43473482-A-C.
Other names: c.1563A>C, p.Pro521= (NM_001146016.2, NM_001146017.2, NM_001350561.2 and 6 more transcripts); c.1533A>C, p.Pro511= (NM_001146018.2, NM_001146019.2, NM_001146020.2 and 3 more transcripts); c.1440A>C, p.Pro480= (NM_001394538.1, NM_001394539.1); c.1410A>C, p.Pro470= (NM_001394540.1, NM_001394541.1, NM_001394542.1 and 3 more transcripts).
Identifiers: ClinVar variation 3234397 (VCV003234397.20), dbSNP rs1466316670, ClinGen allele CA450283267.
Genomic context (GRCh38, chr6:43,505,744, plus strand): 5'-CATTAACAGGGGCACAGAGGAGGGGCCAGGCACTTCCCACACCGAGGGCAGGGCCTGGCC[A>C]CTCCCCAGCTCCAGTCGCCCCCAGCGCAGCCCCAAGAGGATGGGGGTTCACCACCTGCAC-3'
Protein context (NP_001337491.1, residues 511-531): GTSHTEGRAW[Pro521=]LPSSSRPQRS

ClinVar aggregate classification (germline): Likely benign (1 of 4 stars; one submission).

Submission:

CeGaT Center for Human Genetics Tuebingen
Classification: Likely benign. Last evaluated: 2024-03-01. Review status: criteria provided, single submitter. Criteria: CeGaT Center For Human Genetics Tuebingen Variant Classification Criteria Version 2. Collection method: clinical testing. Allele origin: germline. Affected: yes. Observed: 1 variant allele.
Comment: TJAP1: PM2:Supporting, BP4, BP7